The following is an entry in ClinVar:

NM_004247.4(EFTUD2):c.1736C>T (p.Pro579Leu)

Gene: EFTUD2 (elongation factor Tu GTP binding domain containing 2; minus strand). Cytogenetic location: 17q21.31.
Variant type: single nucleotide variant.
Coding change: c.1736C>T on transcript NM_004247.4 (MANE Select); coding-DNA position 1736, C replaced by T.
Protein change: p.Pro579Leu; replaces proline 579 with leucine.
Molecular consequence: missense variant.
Genome position (GRCh38, 1-based): chr17:44,860,029, G>A on the plus strand (C>T on the coding strand, the complement: EFTUD2 is on the minus strand). VCF-style: chr17-44860029-G-A. GRCh37 (hg19) VCF-style: chr17-42937397-G-A.
Other names: c.1631C>T, p.Pro544Leu (NM_001142605.2); c.1736C>T, p.Pro579Leu (NM_001258353.2); c.1706C>T, p.Pro569Leu (NM_001258354.2); short protein forms P544L, P569L, P579L.
Identifiers: ClinVar variation 1314408 (VCV001314408.5), dbSNP rs748956109, ClinGen allele CA8607688.

ClinVar aggregate classification (germline): Uncertain significance. Review status: criteria provided, multiple submitters, no conflicts (2 of 4 stars). 2 submissions from 2 submitters: Uncertain significance (2). Last evaluated 2023-11-03.

Allele frequency attached by ClinVar (database versions not stated): TOPMed 0.00001; ExAC 0.00002; gnomAD exomes 0.00002.
gnomAD v4.1: 30 of 1,614,034 alleles (0.0019%); highest among the groups gnomAD compares: Non-Finnish European, 0.0023%; no homozygotes.

Submissions (2):

Labcorp Genetics (formerly Invitae), Labcorp
Classification: Uncertain significance. Last evaluated: 2023-11-03. Review status: criteria provided, single submitter. Criteria: Invitae Variant Classification Sherloc (09022015). Collection method: clinical testing. Allele origin: germline.
Comment: This sequence change replaces proline, which is neutral and non-polar, with leucine, which is neutral and non-polar, at codon 579 of the EFTUD2 protein (p.Pro579Leu). This variant is present in population databases (rs748956109, gnomAD 0.003%). This variant has not been reported in the literature in individuals affected with EFTUD2-related conditions. ClinVar contains an entry for this variant (Variation ID: 1314408). Advanced modeling of protein sequence and biophysical properties (such as structural, functional, and spatial information, amino acid conservation, physicochemical variation, residue mobility, and thermodynamic stability) performed at Invitae indicates that this missense variant is expected to disrupt EFTUD2 protein function with a positive predictive value of 80%. In summary, the available evidence is currently insufficient to determine the role of this variant in disease. Therefore, it has been classified as a Variant of Uncertain Significance.

GeneDx
Classification: Uncertain significance. Last evaluated: 2021-04-02. Review status: criteria provided, single submitter. Criteria: GeneDx Variant Classification Process June 2021. Collection method: clinical testing. Allele origin: germline. Affected: yes.
Comment: In silico analysis supports that this missense variant has a deleterious effect on protein structure/function; Has not been previously published as pathogenic or benign to our knowledge